The following is an entry in ClinVar:

ClinVar aggregate classification (germline): Likely pathogenic. Review status: criteria provided, single submitter (1 of 4 stars). 3 submissions from 3 submitters: Likely pathogenic (1). 2 of the submissions do not count toward it. Last evaluated 2021-02-08.

Conditions:
Charcot-Marie-Tooth disease axonal type 2O. Also called: Charcot-Marie-Tooth disease, axonal, type 20; CHARCOT-MARIE-TOOTH NEUROPATHY, AXONAL, TYPE 2O; CHARCOT-MARIE-TOOTH DISEASE, AXONAL, AUTOSOMAL DOMINANT, TYPE 2O; Charcot-Marie-Tooth Neuropathy Type 2O. Identifiers: Orphanet 284232, MedGen C3280220, MONDO:0013644, OMIM 614228.
Neuronopathy, distal hereditary motor, autosomal dominant. Also called: Autosomal dominant distal hereditary motor neuropathy. Identifiers: Orphanet 140465, MedGen C5548212, MONDO:0015362.
Spinal muscular atrophy with lower extremity predominance. Also called: Autosomal dominant childhood-onset proximal spinal muscular atrophy. Identifiers: Orphanet 363447, MedGen C1834690, MONDO:0018190.

Submissions (3):

Children's Services, Oxford University Hospitals NHS Foundation Trust
Classification: Likely pathogenic for Spinal muscular atrophy with lower extremity predominance. Last evaluated: 2021-02-08. Review status: criteria provided, single submitter. Criteria: ACMG Guidelines, 2015. Collection method: clinical testing. Allele origin: inherited. Inheritance: Autosomal dominant inheritance. Affected: yes. Observed: 3 variant alleles, 3 heterozygotes. Clinical features observed: Congenital vertical talus (HP:0001838), Lower limb hyperreflexia (HP:0002395), Muscular atrophy (HP:0003202), Hypotonia (HP:0001252), Spastic paraparesis (HP:0002313), Waddling gait (HP:0002515), Lichenification (HP:0100725).
Comment: We present the first case series of a mixed clinical phenotype of SMA-LED and HSP in association with a variant in DYNC1H1. This was the first observation of the c.1808A>T (p.Glu603Val) variant at the reference laboratory and has not previously been listed in the Genome Aggregation Database (gnomAD), suggesting an extremely rare variant. Searching the ClinVar database revealed one reported case with the same variant, in a patient with SMA-LED (1). This case demonstrated similar findings to our index case, presenting with congenital talipes, lower limb muscle atrophy and weakness, and a requirement for ankle-foot orthoses for independent walking. A sibling without diagnostic genetic confirmation was noted to have similar features and an autosomal dominant mode of inheritance was postulated. Previous work has expanded the clinical phenotype of DYNC1H1 to include upper motor neurone disease, describing a family with hereditary spastic paraplegia, complicated by intellectual disability, epilepsy, cataracts and a thin corpus callosum (2, 3). Additionally, the clinical phenotype of SMA-LED with UMN signs has also been previously demonstrated with mutations in BICD2 (4). According to ClinVar, the DYNC1H1 gene c.1808A>T (p.Glu603Val) variant is currently classified as being a variant of uncertain significance. As per the American College of Medical Genetics and Genomics (ACMG) guidelines for variant classification, we would recommend that this variant be reclassified as â€œLikely Pathogenicâ€ due to matching 1 Moderate (PM1â€“PM6) and â‰¥4 Supporting (PP1â€“PP5) criteria; the variant has not been detected in population controls and is not thus listed in the gnomAD database[PM2]. Other missense variants in the DYNC1H1 gene are known to cause similar neurological disease (1, 5-6) and we have shown this variant has been demonstrated to co-segregate with disease in members of one family[PP1, PP2]. The familyâ€™s phenotype and presentation are highly specific for a disease with a single genetic aetiology[PP4] and in silico analysis performed in the laboratory predicts a deleterious effect of this variant on the gene product[PP3].

Inherited Neuropathy Consortium Ii, University Of Miami
Classification: Uncertain significance for Charcot-Marie-Tooth disease axonal type 2O. Last evaluated: 2016-01-06. Review status: no assertion criteria provided. Collection method: literature only. Allele origin: germline. Affected: yes. Not counted in ClinVar's aggregate classification.

Inherited Neuropathy Consortium
Classification: Uncertain significance for Autosomal dominant distal hereditary motor neuropathy. Review status: no assertion criteria provided. Collection method: literature only. Allele origin: germline. Affected: yes. Not counted in ClinVar's aggregate classification.

Literature cited by the submitters: PubMed 25609763 (cited by 3 submitters); PubMed 26100331 (cited by Children's Services, Oxford University Hospitals NHS Foundation Trust); PubMed 32788638 (cited by Children's Services, Oxford University Hospitals NHS Foundation Trust); PubMed 23664120 (cited by Children's Services, Oxford University Hospitals NHS Foundation Trust); PubMed 25512093 (cited by Children's Services, Oxford University Hospitals NHS Foundation Trust); PubMed 27066557 (cited by Children's Services, Oxford University Hospitals NHS Foundation Trust).

NM_001376.5(DYNC1H1):c.1808A>T (p.Glu603Val)

Gene: DYNC1H1 (dynein cytoplasmic 1 heavy chain 1; plus strand). Cytogenetic location: 14q32.31.
Variant type: single nucleotide variant.
Coding change: c.1808A>T on transcript NM_001376.5 (MANE Select); coding-DNA position 1808, A replaced by T.
Protein change: p.Glu603Val; replaces glutamic acid 603 with valine.
Molecular consequence: missense variant.
Genome position (GRCh38, 1-based): chr14:101,986,033, A>T. VCF-style: chr14-101986033-A-T. GRCh37 (hg19) VCF-style: chr14-102452370-A-T.
Other names: short protein forms E603V.
Identifiers: ClinVar variation 637517 (VCV000637517.4), dbSNP rs1595600898, ClinGen allele CA391019397.
Genomic context (GRCh38, chr14:101,986,033, plus strand): 5'-GGATTTTCTCCAGGTTTAATGCACTGTTTGTCAGGCCTCACATCCGTGGGGCCATTCGCG[A>T]ATACCAGACCCAGCTGATCCAGCGCGTGAAAGATGACATTGAGTCTCTTCACGACAAGTT-3'
Protein context (NP_001367.2, residues 593-613): VRPHIRGAIR[Glu603Val]YQTQLIQRVK